The following is an entry in ClinVar:

ClinVar aggregate classification (germline): Conflicting classifications of pathogenicity. Review status: criteria provided, conflicting classifications (1 of 4 stars). 4 submissions from 4 submitters: Uncertain significance (3); Likely benign (1). Last evaluated 2023-11-20.

Conditions:
Hereditary cancer-predisposing syndrome. Also called: Tumor predisposition; Neoplastic Syndromes, Hereditary; Hereditary neoplastic syndrome; Hereditary Cancer Syndrome. Identifiers: Orphanet 140162, MedGen C0027672, MeSH D009386, MONDO:0015356.
Breast-ovarian cancer, familial, susceptibility to, 2 (BROVCA2). Also called: BRCA2 Hereditary Breast and Ovarian Cancer. Identifiers: Orphanet 145, MedGen C2675520, MONDO:0012933, OMIM 612555. Disease mechanism: loss of function.

Submissions (4):

All of Us Research Program, National Institutes of Health
Classification: Uncertain significance for Breast-ovarian cancer, familial, susceptibility to, 2. Last evaluated: 2023-11-20. Review status: criteria provided, single submitter. Criteria: ACMG Guidelines, 2015. Collection method: clinical testing. Allele origin: germline. Inheritance: Autosomal dominant inheritance. Observed: 1 variant allele, 1 heterozygote.
Comment: This missense variant replaces tyrosine with histidine at codon 2154 of the BRCA2 protein. Computational prediction suggests that this variant may not impact protein structure and function (internally defined REVEL score threshold <= 0.5, PMID: 27666373). To our knowledge, functional studies have not been reported for this variant. This variant has been reported in 1 individual affected with breast cancer (PMID: 33113089). This variant has not been identified in the general population by the Genome Aggregation Database (gnomAD). The available evidence is insufficient to determine the role of this variant in disease conclusively. Therefore, this variant is classified as a Variant of Uncertain Significance.

This study involves interpretation of variants in research participants for the purpose of population health screening. Participant phenotype was not available at the time of variant classification. Additional details can be found in publication PMID: 35346344, PMCID: PMC8962531

Color Diagnostics, LLC DBA Color Health
Classification: Uncertain significance for Hereditary cancer-predisposing syndrome. Last evaluated: 2023-10-25. Review status: criteria provided, single submitter. Criteria: ACMG Guidelines, 2015. Collection method: clinical testing. Allele origin: germline.
Comment: This missense variant replaces tyrosine with histidine at codon 2154 of the BRCA2 protein. Computational prediction suggests that this variant may not impact protein structure and function (internally defined REVEL score threshold <= 0.5, PMID: 27666373). To our knowledge, functional studies have not been reported for this variant. This variant has been reported in 1 individual affected with breast cancer (PMID: 33113089). This variant has not been identified in the general population by the Genome Aggregation Database (gnomAD). The available evidence is insufficient to determine the role of this variant in disease conclusively. Therefore, this variant is classified as a Variant of Uncertain Significance.

University of Washington Department of Laboratory Medicine, University of Washington
Classification: Likely benign for Hereditary cancer-predisposing syndrome. Last evaluated: 2023-03-23. Review status: criteria provided, single submitter. Criteria: Dines et al. (Genet Med. 2020). Collection method: curation. Allele origin: germline.
Comment: Missense variant in a coldspot region where missense variants are very unlikely to be pathogenic (PMID:31911673).

BRCA2 exon 11 coldspot. Reclassification based on statistical prior probability.

GeneDx
Classification: Uncertain significance. Last evaluated: 2022-06-30. Review status: criteria provided, single submitter. Criteria: GeneDx Variant Classification Process June 2021. Collection method: clinical testing. Allele origin: germline. Affected: yes.
Comment: Not observed at significant frequency in large population cohorts (gnomAD); In silico analysis supports that this missense variant does not alter protein structure/function; Has not been previously published as pathogenic or benign to our knowledge; Also known as 6688T>C

Literature cited by the submitters: PubMed 33113089 (cited by All of Us Research Program, National Institutes of Health and Color Diagnostics, LLC DBA Color Health).

NM_000059.4(BRCA2):c.6460T>C (p.Tyr2154His)

Gene: BRCA2 (BRCA2 DNA repair associated; plus strand). Cytogenetic location: 13q13.1.
Variant type: single nucleotide variant.
Coding change: c.6460T>C on transcript NM_000059.4 (MANE Select); coding-DNA position 6460, T replaced by C.
Protein change: p.Tyr2154His; replaces tyrosine 2154 with histidine.
Molecular consequence: missense variant.
Genome position (GRCh38, 1-based): chr13:32,340,815, T>C. VCF-style: chr13-32340815-T-C. GRCh37 (hg19) VCF-style: chr13-32914952-T-C.
Other names: c.6460T>C, p.Tyr2154His (NM_001406719.1, NM_001406720.1); short protein forms Y2154H.
Identifiers: ClinVar variation 1809980 (VCV001809980.6), dbSNP rs2548533379, ClinGen allele CA387789354.